The following is an entry in ClinVar:

NM_001164665.2(KIAA1549):c.1398C>T (p.Ser466=)

Gene: KIAA1549 (KIAA1549; minus strand). Cytogenetic location: 7q34.
Variant type: single nucleotide variant.
Coding change: c.1398C>T on transcript NM_001164665.2 (MANE Select); coding-DNA position 1398, C replaced by T.
Protein change: p.Ser466=; no amino-acid change (serine 466 retained).
Molecular consequence: synonymous variant.
Genome position (GRCh38, 1-based): chr7:138,918,228, G>A on the plus strand (C>T on the coding strand, the complement: KIAA1549 is on the minus strand). VCF-style: chr7-138918228-G-A. GRCh37 (hg19) VCF-style: chr7-138602974-G-A.
Other names: c.1398C>T, p.Ser466= (NM_020910.3); c.1398C>T (NM_001164665.1).
Identifiers: ClinVar variation 1169674 (VCV001169674.13), dbSNP rs572555872, ClinGen allele CA4506734.
Genomic context (GRCh38, chr7:138,918,228, plus strand): 5'-GGGGAAAAGCGTATTAAATACTTGAGGATCTTCCTCAAATTCAGAGAAGTCTGCTACGAC[G>A]CTACTCATTAGAGAGATGCTGCTTTCTTCCAGCACGGTCATGCACAGAGTCTCGGCACCA-3'
Protein context (NP_001158137.1, residues 456-476): LEESSISLMS[Ser466=]VVADFSEFEE

ClinVar aggregate classification (germline): Benign/Likely benign. Review status: criteria provided, multiple submitters, no conflicts (2 of 4 stars). 4 submissions from 4 submitters: Benign (1); Likely benign (2). 1 of the submissions does not count toward it. Last evaluated 2025-12-19.

Conditions:
KIAA1549-related disorder. Also called: KIAA1549-related condition.
Retinal dystrophy. Also called: Inherited retinal dystrophy. Identifiers: Orphanet 71862, MedGen C0854723, MeSH D058499, MONDO:0019118, HP:0000556.

Allele frequency attached by ClinVar (database versions not stated): gnomAD exomes 0.00010; gnomAD 0.00014; TOPMed 0.00016; 1000 Genomes Project 30x 0.00031; 1000 Genomes Project 0.00040.
gnomAD v4.1: 172 of 1,613,958 alleles (0.011%); highest among the groups gnomAD compares: East Asian, 0.34%; no homozygotes.

Submissions (4):

Labcorp Genetics (formerly Invitae), Labcorp
Classification: Benign. Last evaluated: 2025-12-19. Review status: criteria provided, single submitter. Criteria: Invitae Variant Classification Sherloc (09022015). Collection method: clinical testing. Allele origin: germline.

Blueprint Genetics
Classification: Likely benign. Last evaluated: 2024-02-29. Review status: criteria provided, single submitter. Criteria: ACMG Guidelines, 2015. Collection method: clinical testing. Allele origin: germline.

Dept Of Ophthalmology, Nagoya University
Classification: Likely benign for Retinal dystrophy. Last evaluated: 2023-10-01. Review status: criteria provided, single submitter. Criteria: Submitter's publication. Collection method: research. Allele origin: germline. Affected: yes.

PreventionGenetics, part of Exact Sciences
Classification: Likely benign for KIAA1549-related condition. Last evaluated: 2019-07-04. Review status: no assertion criteria provided. Collection method: clinical testing. Allele origin: germline. Not counted in ClinVar's aggregate classification.
Comment: This variant is classified as likely benign based on ACMG/AMP sequence variant interpretation guidelines (Richards et al. 2015 PMID: 25741868, with internal and published modifications).